The following is an entry in ClinVar:

NM_001364905.1(LRBA):c.7577T>C (p.Ile2526Thr)

Gene: LRBA (LPS responsive beige-like anchor protein; minus strand). Cytogenetic location: 4q31.3.
Variant type: single nucleotide variant.
Coding change: c.7577T>C on transcript NM_001364905.1 (MANE Select); coding-DNA position 7577, T replaced by C.
Protein change: p.Ile2526Thr; replaces isoleucine 2526 with threonine.
Molecular consequence: missense variant.
Genome position (GRCh38, 1-based): chr4:150,321,244, A>G on the plus strand (T>C on the coding strand, the complement: LRBA is on the minus strand). VCF-style: chr4-150321244-A-G. GRCh37 (hg19) VCF-style: chr4-151242396-A-G.
Other names: c.7577T>C, p.Ile2526Thr (NM_001199282.3); c.7592T>C, p.Ile2531Thr (NM_001367550.1); c.7610T>C, p.Ile2537Thr (NM_006726.5); short protein forms I2526T, I2531T, I2537T.
Identifiers: ClinVar variation 1690744 (VCV001690744.2), dbSNP rs2126925164, ClinGen allele CA358600697.
Genomic context (GRCh38, chr4:150,321,244, plus strand): 5'-TACTTACCAGGAAGGTTGTGCCATTTGTTCACCGCAAATAACCTGTTAGCAGTGACTGTG[A>G]TCACAGCGGGAGTTGCCAAACCAGGCTGGGTGTTGGCTGCCACGTGAGTAACAGGGGAGT-3'
Protein context (NP_001351834.1, residues 2516-2536): TQPGLATPAV[Ile2526Thr]TVTANRLFAV

ClinVar aggregate classification (germline): Uncertain significance (1 of 4 stars; one submission).

Submission:

Laboratorio de Genetica e Diagnostico Molecular, Hospital Israelita Albert Einstein
Classification: Uncertain significance. Last evaluated: 2019-12-15. Review status: criteria provided, single submitter. Criteria: ACMG Guidelines, 2015. Collection method: clinical testing. Allele origin: germline. Affected: yes.
Comment: ACMG classification criteria: PM2